The following is an entry in ClinVar:

ClinVar aggregate classification (germline): Uncertain significance (1 of 4 stars; one submission).

Conditions:
Cognitive impairment - coarse facies - heart defects - obesity - pulmonary involvement - short stature - skeletal dysplasia syndrome. Also called: AFF4-Related CHOPS Syndrome; COGNITIVE IMPAIRMENT, COARSE FACIES, HEART DEFECTS, OBESITY, PULMONARY INVOLVEMENT, SHORT STATURE, AND SKELETAL DYSPLASIA; Chops syndrome. Identifiers: Orphanet 444077, MedGen C4085597, MONDO:0014609, OMIM 616368.

Submission:

Neuberg Centre For Genomic Medicine, NCGM
Classification: Uncertain significance for Cognitive impairment - coarse facies - heart defects - obesity - pulmonary involvement - short stature - skeletal dysplasia syndrome. Review status: criteria provided, single submitter. Criteria: ACMG Guidelines, 2015. Collection method: clinical testing. Allele origin: germline. Inheritance: Autosomal dominant inheritance. Affected: yes.
Comment: The observed missense variant c.1252A>C(p.Ser418Arg) in the AFF4 gene has not been reported previously as a pathogenic variant nor as a benign variant, to our knowledge. This variant is absent in the gnomAD Exomes. The amino acid Serine at position 418 is changed to a Arginine changing protein sequence and it might alter its composition and physico-chemical properties. Multiple lines of computational evidence (Polyphen - Damaging, SIFT - Damaging and MutationTaster - Disease causing) predict a damaging effect on protein structure and function for this variant. The residue is conserved by GERP++ and PhyloP across 100 vertebrates. For these reasons, this variant has been classified as Uncertain Significance.

NM_014423.4(AFF4):c.1252A>C (p.Ser418Arg)

Gene: AFF4 (ALF transcription elongation factor 4; minus strand). Cytogenetic location: 5q31.1.
Variant type: single nucleotide variant.
Coding change: c.1252A>C on transcript NM_014423.4 (MANE Select); coding-DNA position 1252, A replaced by C.
Protein change: p.Ser418Arg; replaces serine 418 with arginine.
Molecular consequence: missense variant.
Genome position (GRCh38, 1-based): chr5:132,898,367, T>G on the plus strand (A>C on the coding strand, the complement: AFF4 is on the minus strand). VCF-style: chr5-132898367-T-G. GRCh37 (hg19) VCF-style: chr5-132234059-T-G.
Other names: short protein forms S418R.
Identifiers: ClinVar variation 3362861 (VCV003362861.3).